The following is an entry in ClinVar:

ClinVar aggregate classification (germline): Uncertain significance. Review status: criteria provided, multiple submitters, no conflicts (2 of 4 stars). 3 submissions from 3 submitters: Uncertain significance (3). Last evaluated 2024-12-31.

Conditions:
Deficiency of hydroxymethylglutaryl-CoA lyase (HMGCLD). Also called: HMGCL DEFICIENCY; HYDROXYMETHYLGLUTARIC ACIDURIA; HMG-CoA LYASE DEFICIENCY; Defect in leucine metabolism; 3-hydroxy-3-methylglutaric aciduria. Identifiers: Orphanet 20, MedGen C1533587, MONDO:0009520, OMIM 246450.

Allele frequency attached by ClinVar (database versions not stated): gnomAD 0.00004; gnomAD exomes below 0.00001; TOPMed 0.00003.

Submissions (3):

GeneDx
Classification: Uncertain significance. Last evaluated: 2024-12-31. Review status: criteria provided, single submitter. Criteria: GeneDx Variant Classification Process June 2021. Collection method: clinical testing. Allele origin: germline.
Comment: Not observed at significant frequency in large population cohorts (gnomAD); In silico analysis supports that this missense variant has a deleterious effect on protein structure/function; Has not been previously published as pathogenic or benign to our knowledge

Genome-Nilou Lab
Classification: Uncertain significance for Deficiency of hydroxymethylglutaryl-CoA lyase. Last evaluated: 2023-04-11. Review status: criteria provided, single submitter. Criteria: ACMG Guidelines, 2015. Collection method: clinical testing. Allele origin: germline. Affected: no.

Labcorp Genetics (formerly Invitae), Labcorp
Classification: Uncertain significance for Deficiency of hydroxymethylglutaryl-CoA lyase. Last evaluated: 2021-09-17. Review status: criteria provided, single submitter. Criteria: Invitae Variant Classification Sherloc (09022015). Collection method: clinical testing. Allele origin: germline.
Comment: This sequence change replaces alanine with threonine at codon 269 of the HMGCL protein (p.Ala269Thr). The alanine residue is highly conserved and there is a small physicochemical difference between alanine and threonine. This variant is not present in population databases (ExAC no frequency). This variant has not been reported in the literature in individuals with HMGCL-related disease. Algorithms developed to predict the effect of missense changes on protein structure and function (SIFT, PolyPhen-2, Align-GVGD) all suggest that this variant is likely to be disruptive, but these predictions have not been confirmed by published functional studies and their clinical significance is uncertain. In summary, the available evidence is currently insufficient to determine the role of this variant in disease. Therefore, it has been classified as a Variant of Uncertain Significance.

NM_000191.3(HMGCL):c.805G>A (p.Ala269Thr)

Gene: HMGCL (3-hydroxy-3-methylglutaryl-CoA lyase; minus strand). Cytogenetic location: 1p36.11.
Variant type: single nucleotide variant.
Coding change: c.805G>A on transcript NM_000191.3 (MANE Select); coding-DNA position 805, G replaced by A.
Protein change: p.Ala269Thr; replaces alanine 269 with threonine.
Molecular consequence: missense variant.
Genome position (GRCh38, 1-based): chr1:23,804,471, C>T on the plus strand (G>A on the coding strand, the complement: HMGCL is on the minus strand). VCF-style: chr1-23804471-C-T. GRCh37 (hg19) VCF-style: chr1-24130961-C-T.
Other names: c.592G>A, p.Ala198Thr (NM_001166059.2); short protein forms A269T, A198T.
Identifiers: ClinVar variation 1380049 (VCV001380049.8), dbSNP rs368688262, ClinGen allele CA19288415.
Genomic context (GRCh38, chr1:23,804,471, plus strand): 5'-CCAAGCCCTCTAGCATGTAGACCAGGTCTTCTGTGGCCAAGTTTCCTGATGCCCCCTGTG[C>T]GTAGGGACAGCCTCCAAGTCCTGCCACAGAAGAGTCCACGACACTCACTCCCATCTAGAA-3'
Protein context (NP_000182.2, residues 259-279): SVAGLGGCPY[Ala269Thr]QGASGNLATE